The following is an entry in ClinVar:

ClinVar aggregate classification (germline): Uncertain significance. Review status: criteria provided, single submitter (1 of 4 stars). 2 submissions from 2 submitters: Uncertain significance (1). 1 of the submissions does not count toward it. Last evaluated 2025-08-07.

Conditions:
RSPH9-related disorder. Also called: RSPH9-related condition.
Primary ciliary dyskinesia. Also called: Ciliary dyskinesia. Identifiers: Orphanet 244, MedGen C0008780, MONDO:0016575, HP:0012265.

Allele frequency attached by ClinVar (database versions not stated): gnomAD 0.00001; ExAC 0.00003; TOPMed 0.00003.

Submissions (2):

Labcorp Genetics (formerly Invitae), Labcorp
Classification: Uncertain significance for Primary ciliary dyskinesia. Last evaluated: 2025-08-07. Review status: criteria provided, single submitter. Criteria: Invitae Variant Classification Sherloc (09022015). Collection method: clinical testing. Allele origin: germline.
Comment: This sequence change replaces arginine, which is basic and polar, with glutamine, which is neutral and polar, at codon 43 of the RSPH9 protein (p.Arg43Gln). This variant is present in population databases (rs766284971, gnomAD 0.01%). This variant has not been reported in the literature in individuals affected with RSPH9-related conditions. ClinVar contains an entry for this variant (Variation ID: 1898805). An algorithm developed to predict the effect of missense changes on protein structure and function (PolyPhen-2) suggests that this variant is likely to be tolerated. In summary, the available evidence is currently insufficient to determine the role of this variant in disease. Therefore, it has been classified as a Variant of Uncertain Significance.

PreventionGenetics, part of Exact Sciences
Classification: Uncertain significance for RSPH9-related condition. Last evaluated: 2024-08-27. Review status: no assertion criteria provided. Collection method: clinical testing. Allele origin: germline. Not counted in ClinVar's aggregate classification.
Comment: The RSPH9 c.128G>A variant is predicted to result in the amino acid substitution p.Arg43Gln. To our knowledge, this variant has not been reported in the literature. This variant is reported in 0.011% of alleles in individuals of East Asian descent in gnomAD. At this time, the clinical significance of this variant is uncertain due to the absence of conclusive functional and genetic evidence.

NM_152732.5(RSPH9):c.128G>A (p.Arg43Gln)

Gene: RSPH9 (radial spoke head component 9; plus strand). Cytogenetic location: 6p21.1.
Variant type: single nucleotide variant.
Coding change: c.128G>A on transcript NM_152732.5 (MANE Select); coding-DNA position 128, G replaced by A.
Protein change: p.Arg43Gln; replaces arginine 43 with glutamine.
Molecular consequence: missense variant. On other transcripts: non-coding transcript variant (2).
Genome position (GRCh38, 1-based): chr6:43,645,226, G>A. VCF-style: chr6-43645226-G-A. GRCh37 (hg19) VCF-style: chr6-43612963-G-A.
Other names: c.128G>A, p.Arg43Gln (NM_001193341.2, NM_001424119.1, NM_001424120.1 and 1 more transcripts); c.128G>A (NM_152732.4); short protein forms R43Q.
Identifiers: ClinVar variation 1898805 (VCV001898805.5), dbSNP rs766284971, ClinGen allele CA3828212.